The following is an entry in ClinVar:

NM_198253.3(TERT):c.1951-6C>T

Gene: TERT (telomerase reverse transcriptase; minus strand). Cytogenetic location: 5p15.33.
Variant type: single nucleotide variant.
Coding change: c.1951-6C>T on transcript NM_198253.3 (MANE Select); 6 bases into the intron before coding-DNA position 1951, C replaced by T.
Molecular consequence: intron variant.
Genome position (GRCh38, 1-based): chr5:1,279,476, G>A on the plus strand (C>T on the coding strand, the complement: TERT is on the minus strand). VCF-style: chr5-1279476-G-A. GRCh37 (hg19) VCF-style: chr5-1279591-G-A.
Other names: c.1951-6C>T (NM_001193376.3).
Identifiers: ClinVar variation 416299 (VCV000416299.14), dbSNP rs200461281, ClinGen allele CA3184702.

ClinVar aggregate classification (germline): Likely benign. Review status: criteria provided, multiple submitters, no conflicts (2 of 4 stars). 3 submissions from 3 submitters: Likely benign (2). 1 of the submissions does not count toward it. Last evaluated 2025-12-29.

Conditions:
Idiopathic Pulmonary Fibrosis. Also called: Idiopathic fibrosing alveolitis, chronic form; idiopathic fibrosing alveolitis. Identifiers: Orphanet 2032, MedGen C1800706, MeSH D054990, MONDO:0800504.
Dyskeratosis congenita, autosomal dominant 2. Identifiers: MedGen C3151443, MONDO:0013521, OMIM 613989.
TERT-related disorder. Also called: TERT-related condition; TERT-related disorders.

Allele frequency attached by ClinVar (database versions not stated): gnomAD exomes 0.00005 and 0.00007; ExAC 0.00014; 1000 Genomes Project 30x 0.00016; 1000 Genomes Project 0.00020; TOPMed 0.00021; gnomAD 0.00022 and 0.00024.
gnomAD v4.1: 107 of 1,548,568 alleles (0.0069%); highest among the groups gnomAD compares: African/African-American, 0.075%; no homozygotes.

Submissions (3):

Labcorp Genetics (formerly Invitae), Labcorp
Classification: Likely benign for Dyskeratosis congenita, autosomal dominant 2; Idiopathic Pulmonary Fibrosis. Last evaluated: 2025-12-29. Review status: criteria provided, single submitter. Criteria: Invitae Variant Classification Sherloc (09022015). Collection method: clinical testing. Allele origin: germline.

Blueprint Genetics
Classification: Likely benign. Last evaluated: 2024-10-14. Review status: criteria provided, single submitter. Criteria: ACMG Guidelines, 2015. Collection method: clinical testing. Allele origin: germline.

PreventionGenetics, part of Exact Sciences
Classification: Likely benign for TERT-related condition. Last evaluated: 2024-08-13. Review status: no assertion criteria provided. Collection method: clinical testing. Allele origin: germline. Not counted in ClinVar's aggregate classification.
Comment: This variant is classified as likely benign based on ACMG/AMP sequence variant interpretation guidelines (Richards et al. 2015 PMID: 25741868, with internal and published modifications).